The following is an entry in ClinVar:

ClinVar aggregate classification (germline): Uncertain significance (1 of 4 stars; one submission).

Conditions:
Kabuki syndrome. Also called: NIIKAWA-KUROKI SYNDROME; Kabuki make-up syndrome. Identifiers: Orphanet 2322, MedGen C0796004, MONDO:0016512.

Submission:

Labcorp Genetics (formerly Invitae), Labcorp
Classification: Uncertain significance for Kabuki syndrome. Last evaluated: 2022-04-09. Review status: criteria provided, single submitter. Criteria: Invitae Variant Classification Sherloc (09022015). Collection method: clinical testing. Allele origin: germline.
Comment: In summary, the available evidence is currently insufficient to determine the role of this variant in disease. Therefore, it has been classified as a Variant of Uncertain Significance. Advanced modeling of protein sequence and biophysical properties (such as structural, functional, and spatial information, amino acid conservation, physicochemical variation, residue mobility, and thermodynamic stability) performed at Invitae indicates that this missense variant is not expected to disrupt KMT2D protein function. This variant has not been reported in the literature in individuals affected with KMT2D-related conditions. This variant is not present in population databases (gnomAD no frequency). This sequence change replaces lysine, which is basic and polar, with isoleucine, which is neutral and non-polar, at codon 4345 of the KMT2D protein (p.Lys4345Ile).

NM_003482.4(KMT2D):c.13034A>T (p.Lys4345Ile)

Gene: KMT2D (lysine methyltransferase 2D; minus strand). Cytogenetic location: 12q13.12.
Variant type: single nucleotide variant.
Coding change: c.13034A>T on transcript NM_003482.4 (MANE Select); coding-DNA position 13034, A replaced by T.
Protein change: p.Lys4345Ile; replaces lysine 4345 with isoleucine.
Molecular consequence: missense variant.
Genome position (GRCh38, 1-based): chr12:49,031,671, T>A on the plus strand (A>T on the coding strand, the complement: KMT2D is on the minus strand). VCF-style: chr12-49031671-T-A. GRCh37 (hg19) VCF-style: chr12-49425454-T-A.
Other names: short protein forms K4345I.
Identifiers: ClinVar variation 2106096 (VCV002106096.4), dbSNP rs777630263, ClinGen allele CA384707819.